The following is an entry in ClinVar:

NM_005670.4(EPM2A):c.301+5T>G

Genes: EPM2A (EPM2A glucan phosphatase, laforin; minus strand), EPM2A-DT (EPM2A divergent transcript; plus strand), LOC129997381 (ATAC-STARR-seq lymphoblastoid silent region 17642; plus strand). Cytogenetic location: 6q24.3.
Variant type: single nucleotide variant.
Coding change: c.301+5T>G on transcript NM_005670.4 (MANE Select); 5 bases into the intron after coding-DNA position 301, T replaced by G.
Molecular consequence: intron variant.
Genome position (GRCh38, 1-based): chr6:145,735,193, A>C on the plus strand (T>G on the coding strand, the complement: EPM2A is on the minus strand). VCF-style: chr6-145735193-A-C. GRCh37 (hg19) VCF-style: chr6-146056329-A-C.
Other names: c.-114+715T>G (NM_001360064.2); c.-114+52T>G (NM_001368131.1); c.301+5T>G (NM_001360057.2, NM_001018041.2, NM_001368130.1); c.-323+5T>G (NM_001368129.2); c.-369+5T>G (NM_001360071.2).
Identifiers: ClinVar variation 1051013 (VCV001051013.8), dbSNP rs776655093, ClinGen allele CA1095485749.

ClinVar aggregate classification (germline): Uncertain significance. Review status: criteria provided, multiple submitters, no conflicts (2 of 4 stars). 2 submissions from 2 submitters: Uncertain significance (2). Last evaluated 2021-01-29.

Conditions:
Inborn genetic diseases. Identifiers: MedGen C0950123, MeSH D030342.
Progressive myoclonic epilepsy. Also called: Familial progressive myoclonic epilepsy; Myoclonus epilepsy; Progressive myoclonus epilepsy; Myoclonic Epilepsies, Progressive. Identifiers: Orphanet 308, Orphanet 98261, MedGen C0751778, MONDO:0020074.

gnomAD v4.1: 2 of 1,504,464 alleles (0.00013%); highest among the groups gnomAD compares: Admixed American, 0.0041%; no homozygotes.

Submissions (2):

Labcorp Genetics (formerly Invitae), Labcorp
Classification: Uncertain significance for Progressive myoclonic epilepsy. Last evaluated: 2021-01-29. Review status: criteria provided, single submitter. Criteria: Invitae Variant Classification Sherloc (09022015). Collection method: clinical testing. Allele origin: germline.
Comment: In summary, the available evidence is currently insufficient to determine the role of this variant in disease. Therefore, it has been classified as a Variant of Uncertain Significance. Nucleotide substitutions within the consensus splice site are a relatively common cause of aberrant splicing (PMID: 17576681, 9536098). Algorithms developed to predict the effect of sequence changes on RNA splicing suggest that this variant may create or strengthen a splice site, but this prediction has not been confirmed by published transcriptional studies. This variant has not been reported in the literature in individuals with EPM2A-related conditions. The frequency data for this variant in the population databases is considered unreliable, as metrics indicate insufficient coverage at this position in the ExAC database. This sequence change falls in intron 1 of the EPM2A gene. It does not directly change the encoded amino acid sequence of the EPM2A protein, but it affects a nucleotide within the consensus splice site of the intron.

Ambry Genetics
Classification: Uncertain significance for Inborn genetic diseases. Last evaluated: 2019-04-14. Review status: criteria provided, single submitter. Criteria: Ambry Variant Classification Scheme 2023. Collection method: clinical testing. Allele origin: germline.
Comment: The c.301+5T>G intronic variant results from a T to G substitution 5 nucleotides after coding exon 1 in the EPM2A gene. This nucleotide position is not well conserved in available vertebrate species. This alteration is predicted to strengthen the native splice donor site efficiency by the BDGP and ESEfinder in silico models; however experimental evidence is not currently available. Since supporting evidence is limited at this time, the clinical significance of this alteration remains unclear.

Literature cited by the submitters: PubMed 17576681 (cited by Labcorp Genetics (formerly Invitae), Labcorp); PubMed 9536098 (cited by Labcorp Genetics (formerly Invitae), Labcorp).